The following is an entry in ClinVar:

ClinVar aggregate classification (germline): Uncertain significance (1 of 4 stars; one submission).

gnomAD v4.1: 3 of 1,204,298 alleles (0.00025%); highest among the groups gnomAD compares: Non-Finnish European, 0.00022%; no homozygotes.

Submission:

Labcorp Genetics (formerly Invitae), Labcorp
Classification: Uncertain significance. Last evaluated: 2022-06-13. Review status: criteria provided, single submitter. Criteria: Invitae Variant Classification Sherloc (09022015). Collection method: clinical testing. Allele origin: germline.
Comment: This variant is present in population databases (no rsID available, gnomAD 0.001%). This sequence change replaces arginine, which is basic and polar, with glycine, which is neutral and non-polar, at codon 392 of the CACNA1F protein (p.Arg392Gly). This variant has not been reported in the literature in individuals affected with CACNA1F-related conditions. Algorithms developed to predict the effect of missense changes on protein structure and function are either unavailable or do not agree on the potential impact of this missense change (SIFT: "Deleterious"; PolyPhen-2: "Probably Damaging"; Align-GVGD: "Class C0"). In summary, the available evidence is currently insufficient to determine the role of this variant in disease. Therefore, it has been classified as a Variant of Uncertain Significance.

NM_001256789.3(CACNA1F):c.1174C>G (p.Arg392Gly)

Gene: CACNA1F (calcium voltage-gated channel subunit alpha1 F; minus strand). Cytogenetic location: Xp11.23.
Variant type: single nucleotide variant.
Coding change: c.1174C>G on transcript NM_001256789.3 (MANE Select); coding-DNA position 1174, C replaced by G.
Protein change: p.Arg392Gly; replaces arginine 392 with glycine.
Molecular consequence: missense variant.
Genome position (GRCh38, 1-based): chrX:49,227,072, G>C on the plus strand (C>G on the coding strand, the complement: CACNA1F is on the minus strand). VCF-style: chrX-49227072-G-C. GRCh37 (hg19) VCF-style: chrX-49083534-G-C.
Other names: c.979C>G, p.Arg327Gly (NM_001256790.3); c.1174C>G, p.Arg392Gly (NM_005183.4); short protein forms R327G, R392G.
Identifiers: ClinVar variation 1468841 (VCV001468841.8), dbSNP rs139250897, ClinGen allele CA412919138.